The following is an entry in ClinVar:

NM_014712.3(SETD1A):c.3640C>T (p.His1214Tyr)

Gene: SETD1A (SET domain containing 1A, histone lysine methyltransferase; plus strand). Cytogenetic location: 16p11.2.
Variant type: single nucleotide variant.
Coding change: c.3640C>T on transcript NM_014712.3 (MANE Select); coding-DNA position 3640, C replaced by T.
Protein change: p.His1214Tyr; replaces histidine 1214 with tyrosine.
Molecular consequence: missense variant.
Genome position (GRCh38, 1-based): chr16:30,979,426, C>T. VCF-style: chr16-30979426-C-T. GRCh37 (hg19) VCF-style: chr16-30990747-C-T.
Other names: short protein forms H1214Y.
Identifiers: ClinVar variation 3390602 (VCV003390602.1).

ClinVar aggregate classification (germline): Uncertain significance (1 of 4 stars; one submission).

Submission:

GeneDx
Classification: Uncertain significance. Last evaluated: 2024-06-10. Review status: criteria provided, single submitter. Criteria: GeneDx Variant Classification Process June 2021. Collection method: clinical testing. Allele origin: germline. Affected: yes.
Comment: Not observed at significant frequency in large population cohorts (gnomAD); In silico analysis indicates that this missense variant does not alter protein structure/function; Has not been previously published as pathogenic or benign to our knowledge